The following is an entry in ClinVar:

ClinVar aggregate classification (germline): Uncertain significance. Review status: criteria provided, multiple submitters, no conflicts (2 of 4 stars). 2 submissions from 2 submitters: Uncertain significance (2). Last evaluated 2026-07-27.

Conditions:
Cardiovascular phenotype. Identifiers: MedGen CN230736.
Hereditary hemorrhagic telangiectasia (HHT). Also called: ORW DISEASE; Osler Weber Rendu syndrome; OSLER-RENDU-WEBER DISEASE; Osler hemorrhagic telangiectasia syndrome. Identifiers: Orphanet 774, MedGen C0039445, MONDO:0019180. Disease mechanism: loss of function.

Submissions (2):

Ambry Genetics
Classification: Uncertain significance for Cardiovascular phenotype. Last evaluated: 2026-07-27. Review status: criteria provided, single submitter. Criteria: Ambry Variant Classification Scheme 2023. Collection method: clinical testing. Allele origin: germline.
Comment: The p.D496N variant (also known as c.1486G>A), located in coding exon 12 of the ENG gene, results from a G to A substitution at nucleotide position 1486. The aspartic acid at codon 496 is replaced by asparagine, an amino acid with highly similar properties. This amino acid position is conserved. In addition, this alteration is predicted to be tolerated by in silico analysis. Based on the available evidence, the clinical significance of this variant remains unclear.

Labcorp Genetics (formerly Invitae), Labcorp
Classification: Uncertain significance for Hereditary hemorrhagic telangiectasia. Last evaluated: 2020-12-25. Review status: criteria provided, single submitter. Criteria: Invitae Variant Classification Sherloc (09022015). Collection method: clinical testing. Allele origin: germline.
Comment: This sequence change replaces aspartic acid with asparagine at codon 496 of the ENG protein (p.Asp496Asn). The aspartic acid residue is highly conserved and there is a small physicochemical difference between aspartic acid and asparagine. This variant is not present in population databases (ExAC no frequency). In summary, the available evidence is currently insufficient to determine the role of this variant in disease. Therefore, it has been classified as a Variant of Uncertain Significance. Advanced modeling of protein sequence and biophysical properties (such as structural, functional, and spatial information, amino acid conservation, physicochemical variation, residue mobility, and thermodynamic stability) performed at Invitae indicates that this missense variant is not expected to disrupt ENG protein function. This variant has not been reported in the literature in individuals with ENG-related conditions.

NM_001114753.3(ENG):c.1486G>A (p.Asp496Asn)

Genes: ENG (endoglin; minus strand), LOC102723566 (uncharacterized LOC102723566; plus strand). Cytogenetic location: 9q34.11.
Variant type: single nucleotide variant.
Coding change: c.1486G>A on transcript NM_001114753.3 (MANE Select); coding-DNA position 1486, G replaced by A.
Protein change: p.Asp496Asn; replaces aspartic acid 496 with asparagine.
Molecular consequence: missense variant. On other transcripts: non-coding transcript variant (1).
Genome position (GRCh38, 1-based): chr9:127,818,320, C>T on the plus strand (G>A on the coding strand, the complement: ENG is on the minus strand). VCF-style: chr9-127818320-C-T. GRCh37 (hg19) VCF-style: chr9-130580599-C-T.
Other names: c.1486G>A, p.Asp496Asn (NM_000118.4); c.940G>A, p.Asp314Asn (NM_001278138.2); c.1486G>A (NM_001114753.1); short protein forms D314N, D496N.
Identifiers: ClinVar variation 1399336 (VCV001399336.10), dbSNP rs2131876065, ClinGen allele CA374975866.